The following is an entry in ClinVar:

ClinVar aggregate classification (germline): Uncertain significance (1 of 4 stars; one submission).

Submission:

GeneDx
Classification: Uncertain significance. Last evaluated: 2024-02-16. Review status: criteria provided, single submitter. Criteria: GeneDx Variant Classification Process June 2021. Collection method: clinical testing. Allele origin: germline. Affected: yes.
Comment: Not observed at significant frequency in large population cohorts (gnomAD); In silico analysis supports that this missense variant has a deleterious effect on protein structure/function; Has not been previously published as pathogenic or benign to our knowledge

NM_002653.5(PITX1):c.365T>A (p.Ile122Asn)

Gene: PITX1 (paired like homeodomain 1; minus strand). Cytogenetic location: 5q31.1.
Variant type: single nucleotide variant.
Coding change: c.365T>A on transcript NM_002653.5 (MANE Select); coding-DNA position 365, T replaced by A.
Protein change: p.Ile122Asn; replaces isoleucine 122 with asparagine.
Molecular consequence: missense variant.
Genome position (GRCh38, 1-based): chr5:135,031,313, A>T on the plus strand (T>A on the coding strand, the complement: PITX1 is on the minus strand). VCF-style: chr5-135031313-A-T. GRCh37 (hg19) VCF-style: chr5-134367003-A-T.
Other names: short protein forms I122N.
Identifiers: ClinVar variation 3369370 (VCV003369370.1).